The following is an entry in ClinVar:

ClinVar aggregate classification (germline): Uncertain significance (1 of 4 stars; one submission).

Allele frequency attached by ClinVar (database versions not stated): gnomAD 0.00006; TOPMed 0.00011.
gnomAD v4.1: 35 of 1,614,020 alleles (0.0022%); highest among the groups gnomAD compares: East Asian, 0.058%; 1 homozygote.

Submission:

Labcorp Genetics (formerly Invitae), Labcorp
Classification: Uncertain significance. Last evaluated: 2025-04-07. Review status: criteria provided, single submitter. Criteria: Invitae Variant Classification Sherloc (09022015). Collection method: clinical testing. Allele origin: germline.
Comment: This sequence change replaces lysine, which is basic and polar, with threonine, which is neutral and polar, at codon 150 of the IL23R protein (p.Lys150Thr). This variant is present in population databases (rs775258971, gnomAD 0.2%), and has an allele count higher than expected for a pathogenic variant. This variant has not been reported in the literature in individuals affected with IL23R-related conditions. ClinVar contains an entry for this variant (Variation ID: 2144287). An algorithm developed to predict the effect of missense changes on protein structure and function outputs the following: PolyPhen-2: "Possibly Damaging". The threonine amino acid residue is found in multiple mammalian species, which suggests that this missense change does not adversely affect protein function. Experimental studies have shown that this missense change does not substantially affect IL23R function (PMID: 30578351). In summary, the available evidence is currently insufficient to determine the role of this variant in disease. Therefore, it has been classified as a Variant of Uncertain Significance.

Literature cited by the submitters: PubMed 30578351.

NM_144701.3(IL23R):c.449A>C (p.Lys150Thr)

Gene: IL23R (interleukin 23 receptor; plus strand). Cytogenetic location: 1p31.3.
Variant type: single nucleotide variant.
Coding change: c.449A>C on transcript NM_144701.3 (MANE Select); coding-DNA position 449, A replaced by C.
Protein change: p.Lys150Thr; replaces lysine 150 with threonine.
Molecular consequence: missense variant.
Genome position (GRCh38, 1-based): chr1:67,182,917, A>C. VCF-style: chr1-67182917-A-C. GRCh37 (hg19) VCF-style: chr1-67648600-A-C.
Other names: short protein forms K150T.
Identifiers: ClinVar variation 2144287 (VCV002144287.4), dbSNP rs775258971, ClinGen allele CA899711.